The following is an entry in ClinVar:

NM_001029998.6(SLC10A7):c.89G>A (p.Gly30Glu)

Gene: SLC10A7 (solute carrier family 10 member 7; minus strand). Cytogenetic location: 4q31.22.
Variant type: single nucleotide variant.
Coding change: c.89G>A on transcript NM_001029998.6 (MANE Select); coding-DNA position 89, G replaced by A.
Protein change: p.Gly30Glu; replaces glycine 30 with glutamic acid.
Molecular consequence: missense variant. On other transcripts: non-coding transcript variant (1).
Genome position (GRCh38, 1-based): chr4:146,521,629, C>T on the plus strand (G>A on the coding strand, the complement: SLC10A7 is on the minus strand). VCF-style: chr4-146521629-C-T. GRCh37 (hg19) VCF-style: chr4-147442781-C-T.
Other names: c.89G>A, p.Gly30Glu (NM_001300842.3, NM_001317816.2, NM_001317817.2 and 2 more transcripts); short protein forms G30E.
Identifiers: ClinVar variation 2578969 (VCV002578969.25), dbSNP rs2530097182, ClinGen allele CA358415527.

ClinVar aggregate classification (germline): Uncertain significance (1 of 4 stars; one submission).

Allele frequency attached by ClinVar (database versions not stated): gnomAD exomes below 0.00001.
gnomAD v4.1: 1 of 1,613,952 alleles (0.000062%); highest among the groups gnomAD compares: Admixed American, 0.0017%; no homozygotes.

Submission:

CeGaT Center for Human Genetics Tuebingen
Classification: Uncertain significance. Last evaluated: 2023-07-01. Review status: criteria provided, single submitter. Criteria: CeGaT Center For Human Genetics Tuebingen Variant Classification Criteria Version 2. Collection method: clinical testing. Allele origin: germline. Affected: yes. Observed: 3 variant alleles.
Comment: SLC10A7: PM2, PP4